The following is an entry in ClinVar:

NC_000019.9:g.(?_855938)_(856184_?)dup

Gene: ELANE (elastase, neutrophil expressed; plus strand). Cytogenetic location: 19p13.3.
Variant type: Duplication.
Identifiers: ClinVar variation 641564 (VCV000641564.4).

ClinVar aggregate classification (germline): Uncertain significance (1 of 4 stars; one submission).

Conditions:
Neutropenia, severe congenital, 1, autosomal dominant. Identifiers: MedGen C1859966, MONDO:0042490, OMIM 202700.
Cyclical neutropenia. Also called: Cyclic hematopoiesis; Cyclic Neutropenia. Identifiers: Orphanet 2686, MedGen C0221023, MONDO:0008090, OMIM 162800, HP:0040289. Disease mechanism: loss of function.

Submission:

Labcorp Genetics (formerly Invitae), Labcorp
Classification: Uncertain significance for Neutropenia, severe congenital, 1, autosomal dominant; Cyclical neutropenia. Last evaluated: 2018-12-18. Review status: criteria provided, single submitter. Criteria: Invitae Variant Classification Sherloc (09022015). Collection method: clinical testing. Allele origin: germline.
Comment: This variant results in a copy number gain of the genomic region encompassing exon 5 of the ELANE gene. The 5' boundary is likely confined to intron 4. The 3' end of this event is unknown as it extends beyond the assayed region for this gene and therefore may encompass additional genes. As the precise location of this event is unknown, it may be in tandem or it may be located elsewhere in the genome. This variant has not been reported in the literature in individuals with ELANE-related conditions. In summary, the available evidence is currently insufficient to determine the role of this variant in disease. Therefore, it has been classified as a Variant of Uncertain Significance.